The following is an entry in ClinVar:

NM_000170.3(GLDC):c.2234C>G (p.Ser745Cys)

Gene: GLDC (glycine decarboxylase; minus strand). Cytogenetic location: 9p24.1.
Variant type: single nucleotide variant.
Coding change: c.2234C>G on transcript NM_000170.3 (MANE Select); coding-DNA position 2234, C replaced by G.
Protein change: p.Ser745Cys; replaces serine 745 with cysteine.
Molecular consequence: missense variant.
Genome position (GRCh38, 1-based): chr9:6,554,750, G>C on the plus strand (C>G on the coding strand, the complement: GLDC is on the minus strand). VCF-style: chr9-6554750-G-C. GRCh37 (hg19) VCF-style: chr9-6554750-G-C.
Other names: short protein forms S745C.
Identifiers: ClinVar variation 1525290 (VCV001525290.5), dbSNP rs1398537221, ClinGen allele CA372880364.

ClinVar aggregate classification (germline): Uncertain significance (1 of 4 stars; one submission).

Conditions:
Glycine encephalopathy. Also called: Nonketotic hyperglycinemia; Non-ketotic hyperglycinemia. Identifiers: Orphanet 407, MedGen C0751748, MONDO:0011612, HP:0008288.

Allele frequency attached by ClinVar (database versions not stated): gnomAD exomes below 0.00001.
gnomAD v4.1: 1 of 1,613,518 alleles (0.000062%); highest among the groups gnomAD compares: Non-Finnish European, 0.000085%; no homozygotes.

Submission:

Labcorp Genetics (formerly Invitae), Labcorp
Classification: Uncertain significance for Glycine encephalopathy. Last evaluated: 2021-08-31. Review status: criteria provided, single submitter. Criteria: Invitae Variant Classification Sherloc (09022015). Collection method: clinical testing. Allele origin: germline.
Comment: This sequence change replaces serine with cysteine at codon 745 of the GLDC protein (p.Ser745Cys). The serine residue is highly conserved and there is a moderate physicochemical difference between serine and cysteine. This variant is not present in population databases (ExAC no frequency). This variant has not been reported in the literature in individuals affected with GLDC-related conditions. Advanced modeling of protein sequence and biophysical properties (such as structural, functional, and spatial information, amino acid conservation, physicochemical variation, residue mobility, and thermodynamic stability) performed at Invitae indicates that this missense variant is expected to disrupt GLDC protein function. In summary, the available evidence is currently insufficient to determine the role of this variant in disease. Therefore, it has been classified as a Variant of Uncertain Significance.